The following is an entry in ClinVar:

NM_001298.3(CNGA3):c.983T>C (p.Ile328Thr)

Gene: CNGA3 (cyclic nucleotide gated channel subunit alpha 3; plus strand). Cytogenetic location: 2q11.2.
Variant type: single nucleotide variant.
Coding change: c.983T>C on transcript NM_001298.3 (MANE Select); coding-DNA position 983, T replaced by C.
Protein change: p.Ile328Thr; replaces isoleucine 328 with threonine.
Molecular consequence: missense variant.
Genome position (GRCh38, 1-based): chr2:98,396,153, T>C. VCF-style: chr2-98396153-T-C. GRCh37 (hg19) VCF-style: chr2-99012616-T-C.
Other names: c.929T>C, p.Ile310Thr (NM_001079878.2); short protein forms I328T, I310T.
Identifiers: ClinVar variation 337661 (VCV000337661.8), dbSNP rs752170364, ClinGen allele CA1793929.

ClinVar aggregate classification (germline): Conflicting classifications of pathogenicity. Review status: criteria provided, conflicting classifications (1 of 4 stars). 3 submissions from 3 submitters: Likely pathogenic (1); Uncertain significance (1). 1 of the submissions does not count toward it. Last evaluated 2025-12-28.

Conditions:
Achromatopsia 2 (ACHM2). Also called: ROD MONOCHROMACY 2; ROD MONOCHROMATISM 2; COLORBLINDNESS, TOTAL. Identifiers: Orphanet 49382, MedGen C1857618, MONDO:0009003, OMIM 216900.

Allele frequency attached by ClinVar (database versions not stated): gnomAD 0.00001; gnomAD exomes 0.00001 and below 0.00001; ExAC 0.00002.
gnomAD v4.1: 8 of 1,614,106 alleles (0.0005%); highest among the groups gnomAD compares: African/African-American, 0.0013%; no homozygotes.

Submissions (3):

3billion
Classification: Likely pathogenic for Achromatopsia 2. Last evaluated: 2025-12-28. Review status: criteria provided, single submitter. Criteria: ACMG Guidelines, 2015. Collection method: clinical testing. Allele origin: germline. Affected: yes.
Comment: The variant is not observed in the gnomAD v4.1.0 dataset. Predicted Consequence/Location: Frameshift: predicted to result in a loss or disruption of normal protein function through protein truncation. Multiple pathogenic variants are reported in the predicted truncated region. The variant has been reported to be associated with CNGA3-related disorder (ClinVar ID: VCV001686891 /PMID: 30267408). Therefore, this variant is classified as Likely pathogenic according to the recommendation of ACMG/AMP guideline.

Illumina Laboratory Services, Illumina
Classification: Uncertain significance for Achromatopsia 2. Last evaluated: 2018-01-13. Review status: criteria provided, single submitter. Criteria: ICSL Variant Classification Criteria 13 December 2019. Collection method: clinical testing. Allele origin: germline.

Molecular Genetics Laboratory, Institute for Ophthalmic Research
Classification: Likely pathogenic for Achromatopsia 2. Last evaluated: 2021-04-15. Review status: no assertion criteria provided. Collection method: research. Allele origin: germline. Affected: yes. Not counted in ClinVar's aggregate classification.

Literature cited by the submitters: PubMed 35332618 (cited by 3billion).